The following is an entry in ClinVar:

ClinVar aggregate classification (germline): Conflicting classifications of pathogenicity. Review status: criteria provided, conflicting classifications (1 of 4 stars). 2 submissions from 2 submitters: Uncertain significance (1); Likely benign (1). Last evaluated 2023-03-23.

Conditions:
Hereditary breast ovarian cancer syndrome. Also called: Hereditary breast and ovarian cancer syndrome; BRCA1- and BRCA2-Associated Hereditary Breast and Ovarian Cancer; Breast and ovarian cancer; Hereditary breast and/or ovarian cancer syndrome; Hereditary breast and ovarian cancer syndrome (HBOC); Hereditary breast and ovarian cancer. Identifiers: Orphanet 145, MedGen C0677776, MeSH D061325, MONDO:0003582. Disease mechanism: loss of function.
Hereditary cancer-predisposing syndrome. Also called: Hereditary neoplastic syndrome; Hereditary Cancer Syndrome; Neoplastic Syndromes, Hereditary; Tumor predisposition. Identifiers: Orphanet 140162, MedGen C0027672, MeSH D009386, MONDO:0015356.

Submissions (2):

University of Washington Department of Laboratory Medicine, University of Washington
Classification: Likely benign for Hereditary cancer-predisposing syndrome. Last evaluated: 2023-03-23. Review status: criteria provided, single submitter. Criteria: Dines et al. (Genet Med. 2020). Collection method: curation. Allele origin: germline.
Comment: Missense variant in a coldspot region where missense variants are very unlikely to be pathogenic (PMID:31911673).

BRCA1 coldspot (exon 11 using historical exon numbering). Reclassification based on statistical prior probability

Labcorp Genetics (formerly Invitae), Labcorp
Classification: Uncertain significance for Hereditary breast ovarian cancer syndrome. Last evaluated: 2021-01-30. Review status: criteria provided, single submitter. Criteria: Invitae Variant Classification Sherloc (09022015). Collection method: clinical testing. Allele origin: germline.
Comment: This sequence change replaces alanine with threonine at codon 302 of the BRCA1 protein (p.Ala302Thr). The alanine residue is moderately conserved and there is a small physicochemical difference between alanine and threonine. In summary, the available evidence is currently insufficient to determine the role of this variant in disease. Therefore, it has been classified as a Variant of Uncertain Significance. Advanced modeling of protein sequence and biophysical properties (such as structural, functional, and spatial information, amino acid conservation, physicochemical variation, residue mobility, and thermodynamic stability) performed at Invitae indicates that this missense variant is not expected to disrupt BRCA1 protein function. This variant has not been reported in the literature in individuals with BRCA1-related conditions. This variant is not present in population databases (ExAC no frequency).

NM_007294.4(BRCA1):c.904G>A (p.Ala302Thr)

Gene: BRCA1 (BRCA1 DNA repair associated; minus strand). Cytogenetic location: 17q21.31.
Variant type: single nucleotide variant.
Coding change: c.904G>A on transcript NM_007294.4 (MANE Select); coding-DNA position 904, G replaced by A.
Protein change: p.Ala302Thr; replaces alanine 302 with threonine.
Molecular consequence: missense variant. On other transcripts: intron variant (137).
Genome position (GRCh38, 1-based): chr17:43,094,627, C>T on the plus strand (G>A on the coding strand, the complement: BRCA1 is on the minus strand). VCF-style: chr17-43094627-C-T. GRCh37 (hg19) VCF-style: chr17-41246644-C-T.
Other names: c.571G>A, p.Ala191Thr (NM_001407949.1, NM_001407950.1, NM_001407951.1 and 6 more transcripts); c.568G>A, p.Ala190Thr (NM_001407954.1, NM_001407955.1, NM_001407956.1 and 1 more transcripts); c.523G>A, p.Ala175Thr (NM_001407959.1, NM_001407960.1, NM_001407963.1); c.520G>A, p.Ala174Thr (NM_001407962.1); c.760G>A, p.Ala254Thr (NM_001407964.1, NM_001407740.1, NM_001407741.1 and 20 more transcripts); c.400G>A, p.Ala134Thr (NM_001407965.1); c.787+117G>A (NM_001407976.1, NM_001407980.1, NM_001407993.1 and 19 more transcripts); c.652+117G>A (NM_001408451.1); and 40 more; short protein forms A255T, A302T, A214T, A254T, A276T, A299T, A6T, A174T.
Identifiers: ClinVar variation 1405927 (VCV001405927.11), dbSNP rs2154486087, ClinGen allele CA10600268.
Genomic context (GRCh38, chr17:43,094,627, plus strand): 5'-CCCATCTGTTATGTTGGCTCCTTGCTAAGCCAGGCTGTTTGCTTTTATTACAGAATTCAG[C>T]CTTTTCTACATTCATTCTGTCTTTAGTGAGTAATAAACTGCTGTTCTCATGCTGTAATGA-3'
Protein context (NP_009225.1, residues 292-312): LTKDRMNVEK[Ala302Thr]EFCNKSKQPG